The following is an entry in ClinVar:

ClinVar aggregate classification (germline): Uncertain significance (1 of 4 stars; one submission).

Allele frequency attached by ClinVar (database versions not stated): TOPMed 0.00013; ExAC 0.00007; 1000 Genomes Project 30x 0.00031; gnomAD exomes 0.00002; gnomAD 0.00009; 1000 Genomes Project 0.00020.
gnomAD v4.1: 36 of 1,614,020 alleles (0.0022%); highest among the groups gnomAD compares: African/African-American, 0.023%; no homozygotes.

Submission:

Labcorp Genetics (formerly Invitae), Labcorp
Classification: Uncertain significance. Last evaluated: 2025-03-31. Review status: criteria provided, single submitter. Criteria: Invitae Variant Classification Sherloc (09022015). Collection method: clinical testing. Allele origin: germline.
Comment: This sequence change replaces threonine, which is neutral and polar, with methionine, which is neutral and non-polar, at codon 126 of the SLC36A2 protein (p.Thr126Met). This variant is present in population databases (rs148360560, gnomAD 0.04%). This variant has not been reported in the literature in individuals affected with SLC36A2-related conditions. ClinVar contains an entry for this variant (Variation ID: 2896835). Invitae Evidence Modeling of protein sequence and biophysical properties (such as structural, functional, and spatial information, amino acid conservation, physicochemical variation, residue mobility, and thermodynamic stability) indicates that this missense variant is not expected to disrupt SLC36A2 protein function with a negative predictive value of 80%. In summary, the available evidence is currently insufficient to determine the role of this variant in disease. Therefore, it has been classified as a Variant of Uncertain Significance.

NM_181776.3(SLC36A2):c.377C>T (p.Thr126Met)

Gene: SLC36A2 (solute carrier family 36 member 2; minus strand). Cytogenetic location: 5q33.1.
Variant type: single nucleotide variant.
Coding change: c.377C>T on transcript NM_181776.3 (MANE Select); coding-DNA position 377, C replaced by T.
Protein change: p.Thr126Met; replaces threonine 126 with methionine.
Molecular consequence: missense variant.
Genome position (GRCh38, 1-based): chr5:151,342,951, G>A on the plus strand (C>T on the coding strand, the complement: SLC36A2 is on the minus strand). VCF-style: chr5-151342951-G-A. GRCh37 (hg19) VCF-style: chr5-150722512-G-A.
Other names: short protein forms T126M.
Identifiers: ClinVar variation 2896835 (VCV002896835.3), dbSNP rs148360560, ClinGen allele CA3518916.